The following is an entry in ClinVar:

ClinVar aggregate classification (germline): Conflicting classifications of pathogenicity. Review status: criteria provided, conflicting classifications (1 of 4 stars). 2 submissions from 2 submitters: Uncertain significance (1); Likely benign (1). Last evaluated 2025-07-17.

Conditions:
CYFIP2-related disorder. Also called: CYFIP2-related condition.

gnomAD v4.1: 15 of 1,535,880 alleles (0.00098%); highest among the groups gnomAD compares: South Asian, 0.0036%; no homozygotes.

Submissions (2):

PreventionGenetics, part of Exact Sciences
Classification: Uncertain significance for CYFIP2-related condition. Last evaluated: 2025-07-17. Review status: criteria provided, single submitter. Criteria: ACMG Guidelines, 2015. Collection method: clinical testing. Allele origin: germline.
Comment: The CYFIP2 c.1688C>T variant is predicted to result in the amino acid substitution p.Pro563Leu. In an alternate transcript (NM_001037333.2), this variant is found within an intronic region (c.1672-963C>T). To our knowledge, this variant has not been reported in the literature. This variant is reported in 0.0019% of alleles in individuals of European (Non-Finnish) descent in gnomAD. At this time, the clinical significance of this variant is uncertain due to the absence of conclusive functional and genetic evidence.

Blueprint Genetics
Classification: Likely benign. Last evaluated: 2019-11-17. Review status: criteria provided, single submitter. Criteria: ACMG Guidelines, 2015. Collection method: clinical testing. Allele origin: germline.

NM_001037333.3(CYFIP2):c.1672-963C>T

Gene: CYFIP2 (cytoplasmic FMR1 interacting protein 2; plus strand). Cytogenetic location: 5q33.3.
Variant type: single nucleotide variant.
Coding change: c.1672-963C>T on transcript NM_001037333.3 (MANE Select); 963 bases into the intron before coding-DNA position 1672, C replaced by T.
Molecular consequence: intron variant. On other transcripts: missense variant (1).
Genome position (GRCh38, 1-based): chr5:157,322,958, C>T. VCF-style: chr5-157322958-C-T. GRCh37 (hg19) VCF-style: chr5-156749966-C-T.
Other names: c.1688C>T, p.Pro563Leu (NM_001291722.2); c.1594-963C>T (NM_001291721.2); c.1672-963C>T (NM_014376.4); c.1688C>T (NM_001291722.1); short protein forms P563L.
Identifiers: ClinVar variation 4972850 (VCV004972850.2).